The following is an entry in ClinVar:

NM_001005242.3(PKP2):c.1771del (p.Arg591fs)

Gene: PKP2 (plakophilin 2; minus strand). Cytogenetic location: 12p11.21.
Variant type: Deletion.
Coding change: c.1771del on transcript NM_001005242.3 (MANE Select); coding-DNA position 1771, one base deleted (C; older notation c.1771delC).
Protein change: p.Arg591fs; shifts the reading frame from arginine 591.
Molecular consequence: frameshift variant.
Genome position (GRCh38, 1-based): chr12:32,822,535, G deleted on the plus strand (C on the coding strand, the reverse complement: PKP2 is on the minus strand); the first of 2 consecutive G bases (chr12:32,822,535-32,822,536); deleting either gives the same sequence. VCF-style (leftmost placement, unchanged base first): chr12-32822534-CG-C. GRCh37 (hg19) VCF-style: chr12-32975468-CG-C.
Other names: c.1903delC (NM_004572.3); c.1903del, p.Arg635fs (NM_004572.4); short protein forms R635fs, R591fs.
Identifiers: ClinVar variation 518878 (VCV000518878.11), dbSNP rs1555142984, ClinGen allele CA658797868.

ClinVar aggregate classification (germline): Pathogenic. Review status: criteria provided, multiple submitters, no conflicts (2 of 4 stars). 2 submissions from 2 submitters: Pathogenic (2). Last evaluated 2024-02-24.

Conditions:
Arrhythmogenic right ventricular dysplasia 9 (ARVD9). Also called: ARRHYTHMOGENIC RIGHT VENTRICULAR DYSPLASIA, FAMILIAL, 9; Arrhythmogenic Right Ventricular Dysplasia/Cardiomyopathy 9. Identifiers: MedGen C1836906, MONDO:0012180, OMIM 609040.
Cardiovascular phenotype. Identifiers: MedGen CN230736.

Submissions (2):

Labcorp Genetics (formerly Invitae), Labcorp
Classification: Pathogenic for Arrhythmogenic right ventricular dysplasia 9. Last evaluated: 2024-02-24. Review status: criteria provided, single submitter. Criteria: Invitae Variant Classification Sherloc (09022015). Collection method: clinical testing. Allele origin: germline.
Comment: This sequence change creates a premature translational stop signal (p.Arg635Glyfs*21) in the PKP2 gene. It is expected to result in an absent or disrupted protein product. Loss-of-function variants in PKP2 are known to be pathogenic (PMID: 15489853, 17041889, 23911551). This variant is not present in population databases (gnomAD no frequency). This variant has not been reported in the literature in individuals affected with PKP2-related conditions. ClinVar contains an entry for this variant (Variation ID: 518878). For these reasons, this variant has been classified as Pathogenic.

Ambry Genetics
Classification: Pathogenic for Cardiovascular phenotype. Last evaluated: 2017-12-04. Review status: criteria provided, single submitter. Criteria: Ambry Variant Classification Scheme 2023. Collection method: clinical testing. Allele origin: germline.
Comment: The c.1903delC pathogenic mutation, located in coding exon 9 of the PKP2 gene, results from a deletion of one nucleotide at nucleotide position 1903, causing a translational frameshift with a predicted alternate stop codon (p.R635Gfs*21). This alteration is expected to result in loss of function by premature protein truncation or nonsense-mediated mRNA decay. As such, this alteration is interpreted as a disease-causing mutation.

Literature cited by the submitters: PubMed 15489853 (cited by Labcorp Genetics (formerly Invitae), Labcorp); PubMed 17041889 (cited by Labcorp Genetics (formerly Invitae), Labcorp); PubMed 23911551 (cited by Labcorp Genetics (formerly Invitae), Labcorp).